The following is an entry in ClinVar:

NM_000075.4(CDK4):c.62_63delinsTT (p.Tyr21Phe)

Gene: CDK4 (cyclin dependent kinase 4; minus strand). Cytogenetic location: 12q14.1.
Variant type: Indel.
Coding change: c.62_63delinsTT on transcript NM_000075.4 (MANE Select); coding-DNA positions 62 to 63, AC replaced by TT.
Protein change: p.Tyr21Phe; replaces tyrosine 21 with phenylalanine.
Molecular consequence: missense variant.
Genome position (GRCh38, 1-based): chr12:57,751,655-57,751,656, GT replaced by AA on the plus strand (AC replaced by TT on the coding strand, the reverse complement: CDK4 is on the minus strand). VCF-style: chr12-57751655-GT-AA. GRCh37 (hg19) VCF-style: chr12-58145438-GT-AA.
Other names: short protein forms Y21F.
Identifiers: ClinVar variation 3489503 (VCV003489503.1).

ClinVar aggregate classification (germline): Uncertain significance (1 of 4 stars; one submission).

Conditions:
Hereditary cancer-predisposing syndrome. Also called: Tumor predisposition; Neoplastic Syndromes, Hereditary; Hereditary Cancer Syndrome; Hereditary neoplastic syndrome. Identifiers: Orphanet 140162, MedGen C0027672, MeSH D009386, MONDO:0015356.

Submission:

Ambry Genetics
Classification: Uncertain significance for Hereditary cancer-predisposing syndrome. Last evaluated: 2024-10-07. Review status: criteria provided, single submitter. Criteria: Ambry Variant Classification Scheme 2023. Collection method: clinical testing. Allele origin: germline.
Comment: The c.62_63delACinsTT variant (also known as p.Y21F), located in coding exon 1 of the CDK4 gene, results from an in-frame deletion of AC and insertion of TT at nucleotide positions 62 to 63. This results in the substitution of the tyrosine residue for a phenylalanine residue at codon 21, an amino acid with highly similar properties. This amino acid position is highly conserved in available vertebrate species. In addition, the in silico prediction for this alteration is inconclusive (Choi Y et al. PLoS ONE. 2012; 7(10):e46688). Since supporting evidence is limited at this time, the clinical significance of this alteration remains unclear.